The following is an entry in ClinVar:

ClinVar aggregate classification (germline): Uncertain significance. Review status: criteria provided, multiple submitters, no conflicts (2 of 4 stars). 2 submissions from 2 submitters: Uncertain significance (2). Last evaluated 2023-11-27.

Conditions:
Charcot-Marie-Tooth disease dominant intermediate B (CMTDIB). Also called: CHARCOT-MARIE-TOOTH NEUROPATHY, DOMINANT INTERMEDIATE B; Charcot-Marie-Tooth disease dominant intermediate I; Charcot-Marie-Tooth disease dominant intermediate 1; CMT DI1. Identifiers: Orphanet 100044, Orphanet 228179, MedGen C1847902, MONDO:0011674, OMIM 606482.
Inborn genetic diseases. Identifiers: MedGen C0950123, MeSH D030342.

Submissions (2):

Ambry Genetics
Classification: Uncertain significance for Inborn genetic diseases. Last evaluated: 2023-11-27. Review status: criteria provided, single submitter. Criteria: Ambry Variant Classification Scheme 2023. Collection method: clinical testing. Allele origin: germline.

Labcorp Genetics (formerly Invitae), Labcorp
Classification: Uncertain significance for Charcot-Marie-Tooth disease, dominant intermediate B. Last evaluated: 2018-09-13. Review status: criteria provided, single submitter. Criteria: Invitae Variant Classification Sherloc (09022015). Collection method: clinical testing. Allele origin: germline.
Comment: This sequence change replaces alanine with valine at codon 253 of the DNM2 protein (p.Ala253Val). The alanine residue is moderately conserved and there is a small physicochemical difference between alanine and valine. This variant is not present in population databases (ExAC no frequency). This variant has not been reported in the literature in individuals with DNM2-related disease. Algorithms developed to predict the effect of missense changes on protein structure and function are either unavailable or do not agree on the potential impact of this missense change (SIFT: "Tolerated"; PolyPhen-2: "Possibly Damaging"; Align-GVGD: "Class C0"). Algorithms developed to predict the effect of sequence changes on RNA splicing suggest that this variant may create or strengthen a splice site, but this prediction has not been confirmed by published transcriptional studies. In summary, the available evidence is currently insufficient to determine the role of this variant in disease. Therefore, it has been classified as a Variant of Uncertain Significance.

NM_001005361.3(DNM2):c.758C>T (p.Ala253Val)

Gene: DNM2 (dynamin 2; plus strand). Cytogenetic location: 19p13.2.
Variant type: single nucleotide variant.
Coding change: c.758C>T on transcript NM_001005361.3 (MANE Select); coding-DNA position 758, C replaced by T.
Protein change: p.Ala253Val; replaces alanine 253 with valine.
Molecular consequence: missense variant.
Genome position (GRCh38, 1-based): chr19:10,783,029, C>T. VCF-style: chr19-10783029-C-T. GRCh37 (hg19) VCF-style: chr19-10893705-C-T.
Other names: c.758C>T, p.Ala253Val (NM_001005360.3, NM_001005362.3, NM_001190716.2 and 1 more transcripts); short protein forms A253V.
Identifiers: ClinVar variation 647684 (VCV000647684.2), dbSNP rs752195631, ClinGen allele CA305274028.
Genomic context (GRCh38, chr19:10,783,029, plus strand): 5'-GCGTGGTGAACCGCAGCCAGAAGGATATTGAGGGCAAGAAGGACATCCGTGCAGCACTGG[C>T]AGCTGAGAGGAAGTTCTTCCTCTCCCACCCGGCCTACCGGCACATGGCCGACCGCATGGG-3'
Protein context (NP_001005361.1, residues 243-263): EGKKDIRAAL[Ala253Val]AERKFFLSHP